The following is an entry in ClinVar:

NM_000153.4(GALC):c.1526A>T (p.Asp509Val)

Gene: GALC (galactosylceramidase; minus strand). Cytogenetic location: 14q31.3.
Variant type: single nucleotide variant.
Coding change: c.1526A>T on transcript NM_000153.4 (MANE Select); coding-DNA position 1526, A replaced by T.
Protein change: p.Asp509Val; replaces aspartic acid 509 with valine.
Molecular consequence: missense variant.
Genome position (GRCh38, 1-based): chr14:87,945,697, T>A on the plus strand (A>T on the coding strand, the complement: GALC is on the minus strand). VCF-style: chr14-87945697-T-A. GRCh37 (hg19) VCF-style: chr14-88412041-T-A.
Other names: p.Asp509Val; c.1457A>T, p.Asp486Val (NM_001201401.2); c.1448A>T, p.Asp483Val (NM_001201402.2); c.1358A>T, p.Asp453Val (NM_001424071.1, NM_001424072.1, NM_001424073.1); c.1178A>T, p.Asp393Val (NM_001424074.1, NM_001424075.1); c.893A>T, p.Asp298Val (NM_001424076.1, NM_001424077.1); short protein forms D298V, D393V, D453V, D483V, D486V, D509V.
Identifiers: ClinVar variation 3380225 (VCV003380225.1).

ClinVar aggregate classification (germline): Uncertain significance (1 of 4 stars; one submission).

Submission:

Mayo Clinic Laboratories, Mayo Clinic
Classification: Uncertain significance. Last evaluated: 2024-05-07. Review status: criteria provided, single submitter. Criteria: ACMG Guidelines, 2015. Collection method: clinical testing. Allele origin: germline. Observed: 1 variant allele.
Comment: PP3